The following is an entry in ClinVar:

ClinVar aggregate classification (germline): Uncertain significance (1 of 4 stars; one submission).

gnomAD v4.1: 7 of 1,613,726 alleles (0.00043%); highest among the groups gnomAD compares: African/African-American, 0.0013%; no homozygotes.

Submission:

Women's Health and Genetics/Laboratory Corporation of America, LabCorp
Classification: Uncertain significance. Last evaluated: 2026-01-05. Review status: criteria provided, single submitter. Criteria: LabCorp Variant Classification Summary - May 2015. Collection method: clinical testing. Allele origin: germline.
Comment: Variant summary: AP3B1 c.1361A>G (p.Asp454Gly) results in a non-conservative amino acid change in the encoded protein sequence. Algorithms developed to predict the effect of missense changes on protein structure and function are either unavailable or do not agree on the potential impact of this missense change. Consensus agreement among computation tools predict no significant impact on normal splicing. However, these predictions have yet to be confirmed by functional studies. The variant was absent in 251130 control chromosomes. The available data on variant occurrences in the general population are insufficient to allow any conclusion about variant significance. To our knowledge, no occurrence of c.1361A>G in individuals affected with AP3B1-related conditions and no experimental evidence demonstrating its impact on protein function have been reported. No submitters have cited clinical-significance assessments for this variant to ClinVar. Based on the evidence outlined above, the variant was classified as uncertain significance.

NM_003664.5(AP3B1):c.1361A>G (p.Asp454Gly)

Gene: AP3B1 (adaptor related protein complex 3 subunit beta 1; minus strand). Cytogenetic location: 5q14.1.
Variant type: single nucleotide variant.
Coding change: c.1361A>G on transcript NM_003664.5 (MANE Select); coding-DNA position 1361, A replaced by G.
Protein change: p.Asp454Gly; replaces aspartic acid 454 with glycine.
Molecular consequence: missense variant.
Genome position (GRCh38, 1-based): chr5:78,162,821, T>C on the plus strand (A>G on the coding strand, the complement: AP3B1 is on the minus strand). VCF-style: chr5-78162821-T-C. GRCh37 (hg19) VCF-style: chr5-77458645-T-C.
Other names: c.1214A>G, p.Asp405Gly (NM_001271769.2); c.1361A>G, p.Asp454Gly (NM_001410752.1); short protein forms D405G, D454G.
Identifiers: ClinVar variation 4689659 (VCV004689659.1).
Genomic context (GRCh38, chr5:78,162,821, plus strand): 5'-AATACCAAGAATATTCAAATTTAAATCACCTGAAAATAAAATGAAACTGTAAACTTACCA[T>C]CCCTGTTGGACAGCAGACAGACCAAGCCATTGAGGCACGTGTCAGTGACTTCCAAGATGT-3'
Protein context (NP_003655.3, residues 444-464): NGLVCLLSNR[Asp454Gly]EIVVAESVVV